The following is an entry in ClinVar:

NM_001267550.2(TTN):c.107395T>C (p.Ser35799Pro)

Genes: TTN-AS1 (TTN antisense RNA 1; plus strand), TTN (titin; minus strand). Cytogenetic location: 2q31.2.
Variant type: single nucleotide variant.
Coding change: c.107395T>C on transcript NM_001267550.2 (MANE Select); coding-DNA position 107395, T replaced by C.
Protein change: p.Ser35799Pro; replaces serine 35799 with proline.
Molecular consequence: missense variant.
Genome position (GRCh38, 1-based): chr2:178,527,731, A>G on the plus strand (T>C on the coding strand, the complement: TTN is on the minus strand). VCF-style: chr2-178527731-A-G. GRCh37 (hg19) VCF-style: chr2-179392458-A-G.
Other names: c.102472T>C, p.Ser34158Pro (NM_001256850.1); c.80200T>C, p.Ser26734Pro (NM_003319.4); c.99691T>C, p.Ser33231Pro (NM_133378.4); c.80575T>C, p.Ser26859Pro (NM_133432.3); c.80776T>C, p.Ser26926Pro (NM_133437.4); short protein forms S33231P, S35799P, S26859P, S26926P, S34158P, S26734P.
Identifiers: ClinVar variation 2189108 (VCV002189108.4), dbSNP rs2468253195, ClinGen allele CA349401109.

ClinVar aggregate classification (germline): Uncertain significance (1 of 4 stars; one submission).

Conditions:
Dilated cardiomyopathy 1G (CMD1G). Identifiers: Orphanet 154, MedGen C1858763, MONDO:0011400, OMIM 604145.
Autosomal recessive limb-girdle muscular dystrophy type 2J (LGMDR10). Also called: Limb-girdle muscular dystrophy, type 2J; MUSCULAR DYSTROPHY, LIMB-GIRDLE, AUTOSOMAL RECESSIVE 10. Identifiers: Orphanet 140922, MedGen C1837342, MONDO:0012127, OMIM 608807.

Submission:

Labcorp Genetics (formerly Invitae), Labcorp
Classification: Uncertain significance for Dilated cardiomyopathy 1G; Autosomal recessive limb-girdle muscular dystrophy type 2J. Last evaluated: 2022-07-27. Review status: criteria provided, single submitter. Criteria: Invitae Variant Classification Sherloc (09022015). Collection method: clinical testing. Allele origin: germline.
Comment: This sequence change replaces serine, which is neutral and polar, with proline, which is neutral and non-polar, at codon 35799 of the TTN protein (p.Ser35799Pro). This variant is not present in population databases (gnomAD no frequency). This variant has not been reported in the literature in individuals affected with TTN-related conditions. Algorithms developed to predict the effect of missense changes on protein structure and function output the following: SIFT: "Not Available"; PolyPhen-2: "Not Available"; Align-GVGD: "Not Available". The proline amino acid residue is found in multiple mammalian species, which suggests that this missense change does not adversely affect protein function. This variant is located in the M band of TTN (PMID: 25589632). Variants in this region may be relevant for neuromuscular disorders, but have not been definitively shown to cause cardiomyopathy (PMID: 23975875). In summary, the available evidence is currently insufficient to determine the role of this variant in disease. Therefore, it has been classified as a Variant of Uncertain Significance.

Literature cited by the submitters: PubMed 25589632; PubMed 23975875.